The following is an entry in ClinVar:

NM_000338.3(SLC12A1):c.382C>T (p.Arg128Ter)

Gene: SLC12A1 (solute carrier family 12 member 1; plus strand). Cytogenetic location: 15q21.1.
Variant type: single nucleotide variant.
Coding change: c.382C>T on transcript NM_000338.3 (MANE Select); coding-DNA position 382, C replaced by T.
Protein change: p.Arg128Ter; replaces arginine 128 with a stop codon.
Molecular consequence: nonsense.
Genome position (GRCh38, 1-based): chr15:48,208,101, C>T. VCF-style: chr15-48208101-C-T. GRCh37 (hg19) VCF-style: chr15-48500298-C-T.
Other names: c.382C>T, p.Arg128Ter (NM_001184832.2, NM_001384136.1); c.382C>T (NM_000338.2); short protein forms R128*.
Identifiers: ClinVar variation 1320258 (VCV001320258.9), dbSNP rs773855120, ClinGen allele CA7546738.

ClinVar aggregate classification (germline): Pathogenic. Review status: criteria provided, multiple submitters, no conflicts (2 of 4 stars). 4 submissions from 4 submitters: Pathogenic (4). Last evaluated 2025-07-29.

Conditions:
Bartter disease type 1. Also called: Bartter syndrome, type 1, antenatal; HYPOKALEMIC ALKALOSIS WITH HYPERCALCIURIA 1, ANTENATAL; Bartter Syndrome type 1; HYPERPROSTAGLANDIN E SYNDROME 1. Identifiers: Orphanet 112, Orphanet 620217, MedGen C1866495, MONDO:0100344, OMIM 601678, MONDO:0011127.

Allele frequency attached by ClinVar (database versions not stated): gnomAD exomes below 0.00001; ExAC 0.00001.
gnomAD v4.1: 1 of 1,602,458 alleles (0.000062%); no homozygotes.

Submissions (4):

GeneDx
Classification: Pathogenic. Last evaluated: 2025-07-29. Review status: criteria provided, single submitter. Criteria: GeneDx Variant Classification Process June 2021. Collection method: clinical testing. Allele origin: germline. Affected: yes.
Comment: Nonsense variant predicted to result in protein truncation or nonsense mediated decay in a gene for which loss of function is a known mechanism of disease; Not observed at significant frequency in large population cohorts (gnomAD); This variant is associated with the following publications: (PMID: 32901917)

Fulgent Genetics
Classification: Pathogenic for Bartter disease type 1. Last evaluated: 2022-03-03. Review status: criteria provided, single submitter. Criteria: ACMG Guidelines, 2015. Collection method: clinical testing. Allele origin: unknown.

3billion
Classification: Pathogenic for Bartter disease type 1. Last evaluated: 2021-10-02. Review status: criteria provided, single submitter. Criteria: ACMG Guidelines, 2015. Collection method: clinical testing. Allele origin: maternal. Affected: yes. Observed: 1 heterozygote.
Comment: Stop-gained (nonsense): predicted to result in a loss or disruption of normal protein function through nonsense-mediated decay (NMD) or protein truncation. Multiple pathogenic variants are reported downstream of the variant (PVS1_VS). The variant is observed at an extremely low frequency in the gnomAD v2.1.1 dataset (total allele frequency: 0.000004, PM2). Patient's phenotype is considered compatible with Bartter syndrome, Type 1 (3billion dataset, PP4). Therefore, this variant is classified as likely pathogenic according to the recommendation of ACMG/AMP guideline

Labcorp Genetics (formerly Invitae), Labcorp
Classification: Pathogenic. Last evaluated: 2021-08-23. Review status: criteria provided, single submitter. Criteria: Invitae Variant Classification Sherloc (09022015). Collection method: clinical testing. Allele origin: germline.
Comment: This sequence change creates a premature translational stop signal (p.Arg128*) in the SLC12A1 gene. It is expected to result in an absent or disrupted protein product. Loss-of-function variants in SLC12A1 are known to be pathogenic (PMID: 8640224, 9585600, 19096086). The frequency data for this variant in the population databases is considered unreliable, as metrics indicate poor data quality at this position in the ExAC database. This variant has not been reported in the literature in individuals affected with SLC12A1-related conditions. For these reasons, this variant has been classified as Pathogenic.

Literature cited by the submitters: PubMed 8640224 (cited by Labcorp Genetics (formerly Invitae), Labcorp); PubMed 9585600 (cited by Labcorp Genetics (formerly Invitae), Labcorp); PubMed 19096086 (cited by Labcorp Genetics (formerly Invitae), Labcorp).